The following is an entry in ClinVar:

ClinVar aggregate classification (germline): Uncertain significance (1 of 4 stars; one submission).

gnomAD v4.1: 4 of 1,614,052 alleles (0.00025%); highest among the groups gnomAD compares: South Asian, 0.0033%; no homozygotes.

Submission:

Labcorp Genetics (formerly Invitae), Labcorp
Classification: Uncertain significance. Last evaluated: 2024-05-07. Review status: criteria provided, single submitter. Criteria: Invitae Variant Classification Sherloc (09022015). Collection method: clinical testing. Allele origin: germline.
Comment: This sequence change replaces leucine, which is neutral and non-polar, with phenylalanine, which is neutral and non-polar, at codon 194 of the MS4A1 protein (p.Leu194Phe). This variant is present in population databases (rs749709018, gnomAD 0.01%). This variant has not been reported in the literature in individuals affected with MS4A1-related conditions. Algorithms developed to predict the effect of missense changes on protein structure and function output the following: SIFT: "Not Available"; PolyPhen-2: "Benign"; Align-GVGD: "Not Available". The phenylalanine amino acid residue is found in multiple mammalian species, which suggests that this missense change does not adversely affect protein function. In summary, the available evidence is currently insufficient to determine the role of this variant in disease. Therefore, it has been classified as a Variant of Uncertain Significance.

NM_152866.3(MS4A1):c.582G>T (p.Leu194Phe)

Gene: MS4A1 (membrane spanning 4-domains A1; plus strand). Cytogenetic location: 11q12.2.
Variant type: single nucleotide variant.
Coding change: c.582G>T on transcript NM_152866.3 (MANE Select); coding-DNA position 582, G replaced by T.
Protein change: p.Leu194Phe; replaces leucine 194 with phenylalanine.
Molecular consequence: missense variant.
Genome position (GRCh38, 1-based): chr11:60,466,967, G>T. VCF-style: chr11-60466967-G-T. GRCh37 (hg19) VCF-style: chr11-60234440-G-T.
Other names: c.582G>T, p.Leu194Phe (NM_021950.4, NM_152867.2); short protein forms L194F.
Identifiers: ClinVar variation 3689846 (VCV003689846.2).